The following is an entry in ClinVar:

ClinVar aggregate classification (germline): Likely pathogenic (1 of 4 stars; one submission).

Conditions:
Intellectual disability-severe speech delay-mild dysmorphism syndrome (IDDLA). Also called: Mental retardation with language impairment and autistic features; FOXP1 Syndrome; Intellectual developmental disorder with language impairment AND with or without autistic features. Identifiers: Orphanet 391372, MedGen C4013764, MONDO:0013352, OMIM 613670.

Submission:

Greenwood Genetic Center Diagnostic Laboratories, Greenwood Genetic Center
Classification: Likely pathogenic for Intellectual disability-severe speech delay-mild dysmorphism syndrome. Last evaluated: 2023-12-21. Review status: criteria provided, single submitter. Criteria: ACMG Guidelines, 2015. Collection method: clinical testing. Allele origin: germline. Affected: yes.
Comment: PVS1, PM2

NM_001349338.3(FOXP1):c.1451del (p.Lys484fs)

Genes: FOXP1 (forkhead box P1; minus strand), LOC126806714 (BRD4-independent group 4 enhancer GRCh37_chr3:71025197-71026396; plus strand). Cytogenetic location: 3p13.
Variant type: Deletion.
Coding change: c.1451del on transcript NM_001349338.3 (MANE Select); coding-DNA position 1451, one base deleted (A; older notation c.1451delA).
Protein change: p.Lys484fs; shifts the reading frame from lysine 484.
Molecular consequence: frameshift variant. On other transcripts: non-coding transcript variant (2).
Genome position (GRCh38, 1-based): chr3:70,977,020, T deleted on the plus strand (A on the coding strand, the reverse complement: FOXP1 is on the minus strand); the first of 4 consecutive T bases (chr3:70,977,020-70,977,023); deleting any one gives the same sequence. VCF-style (leftmost placement, unchanged base first): chr3-70977019-CT-C. GRCh37 (hg19) VCF-style: chr3-71026170-CT-C.
Other names: c.1148del, p.Lys383fs (NM_001349344.3, NM_001370548.1, NM_001349337.2 and 1 more transcripts); c.1451del, p.Lys484fs (NM_032682.6, NM_001244810.2, NM_001244814.3 and 2 more transcripts); c.1448del, p.Lys483fs (NM_001244808.3, NM_001349341.3); c.1223del, p.Lys408fs (NM_001244812.3); c.1151del, p.Lys384fs (NM_001244813.3, NM_001244815.2, NM_001349342.3); c.1448delA, p.Lys484Serfs (NM_001349339.1); short protein forms K408fs, K383fs, K483fs, K484fs, K384fs.
Identifiers: ClinVar variation 2692522 (VCV002692522.1), dbSNP rs2545110459, ClinGen allele CA2697556770.